The following is an entry in ClinVar:

ClinVar aggregate classification (germline): Uncertain significance (1 of 4 stars; one submission).

Submission:

GeneDx
Classification: Uncertain significance. Last evaluated: 2022-07-15. Review status: criteria provided, single submitter. Criteria: GeneDx Variant Classification Process June 2021. Collection method: clinical testing. Allele origin: germline. Affected: yes.
Comment: Not observed at significant frequency in large population cohorts (gnomAD); In silico analysis supports that this missense variant has a deleterious effect on protein structure/function; Has not been previously published as pathogenic or benign to our knowledge

NM_001256789.3(CACNA1F):c.433A>G (p.Lys145Glu)

Gene: CACNA1F (calcium voltage-gated channel subunit alpha1 F; minus strand). Cytogenetic location: Xp11.23.
Variant type: single nucleotide variant.
Coding change: c.433A>G on transcript NM_001256789.3 (MANE Select); coding-DNA position 433, A replaced by G.
Protein change: p.Lys145Glu; replaces lysine 145 with glutamic acid.
Molecular consequence: missense variant.
Genome position (GRCh38, 1-based): chrX:49,230,938, T>C on the plus strand (A>G on the coding strand, the complement: CACNA1F is on the minus strand). VCF-style: chrX-49230938-T-C. GRCh37 (hg19) VCF-style: chrX-49087400-T-C.
Other names: c.238A>G, p.Lys80Glu (NM_001256790.3); c.433A>G, p.Lys145Glu (NM_005183.4); short protein forms K145E, K80E.
Identifiers: ClinVar variation 2136075 (VCV002136075.1), dbSNP rs2519139700, ClinGen allele CA412926143.